The following is an entry in ClinVar:

ClinVar aggregate classification (germline): Benign. Review status: criteria provided, single submitter (1 of 4 stars). 3 submissions from 1 submitter: Benign (3). Last evaluated 2017-04-27.

Conditions:
Pyruvate dehydrogenase E3 deficiency (DLDD). Also called: Dihydrolipoamide Dehydrogenase (E3) Deficiency; Lipoamide dehydrogenase deficiency, lactic acidosis due to; Lipoamide dehydrogenase deficiency; Dihydrolipoamide Dehydrogenase Deficiency; MAPLE SYRUP URINE DISEASE, TYPE III; DLD DEFICIENCY. Identifiers: Orphanet 2394, Orphanet 765, MedGen C5574660, MONDO:0009529, OMIM 246900.
Leigh syndrome (NULS). Also called: Leigh's syndrome; LEIGH SYNDROME, NUCLEAR; Leigh's necrotizing encephalopathy; Leigh's disease; Leigh Syndrome (mtDNA deletion); Leigh Disease. Identifiers: Orphanet 506, MedGen C2931891, MONDO:0009723, OMIM 256000.
Pyruvate dehydrogenase complex deficiency (PDHC). Also called: PDH DEFICIENCY; PYRUVATE DECARBOXYLASE DEFICIENCY; Pyruvate Dehydrogenase Complex Deficiency Disease; Pyruvate dehydrogenase deficiency; Ataxia with lactic acidosis 1. Identifiers: Orphanet 765, Orphanet 79243, MedGen C0034345, MONDO:0019169.

Allele frequency attached by ClinVar (database versions not stated): gnomAD 0.00497 and 0.00531; TOPMed 0.00583; 1000 Genomes Project 0.00639; 1000 Genomes Project 30x 0.00656.
gnomAD v4.1: 747 of 152,434 alleles (0.49%); highest among the groups gnomAD compares: African/African-American, 1.7%; 3 homozygotes.

Submissions (3):

Illumina Laboratory Services, Illumina
Classification: Benign for Leigh syndrome. Last evaluated: 2017-04-27. Review status: criteria provided, single submitter. Criteria: ICSL Variant Classification Criteria 13 December 2019. Collection method: clinical testing. Allele origin: germline.
Comment: This variant was observed as part of a predisposition screen in an ostensibly healthy population. A literature search was performed for the gene, cDNA change, and amino acid change (where applicable). No publications were found based on this search. Allele frequency data from public databases was too high to be consistent with this variant causing disease. Therefore, this variant is classified as benign.

Illumina Laboratory Services, Illumina
Classification: Benign for Pyruvate dehydrogenase E3 deficiency. Last evaluated: 2017-04-27. Review status: criteria provided, single submitter. Criteria: ICSL Variant Classification Criteria 13 December 2019. Collection method: clinical testing. Allele origin: germline.
Comment: the same text as in the submission from Illumina Laboratory Services, Illumina above.

Illumina Laboratory Services, Illumina
Classification: Benign for Pyruvate dehydrogenase complex deficiency. Last evaluated: 2017-04-27. Review status: criteria provided, single submitter. Criteria: ICSL Variant Classification Criteria 13 December 2019. Collection method: clinical testing. Allele origin: germline.
Comment: the same text as in the submission from Illumina Laboratory Services, Illumina above.

NM_000108.5(DLD):c.*1074C>G

Gene: DLD (dihydrolipoamide dehydrogenase; plus strand). Cytogenetic location: 7q31.1.
Variant type: single nucleotide variant.
Coding change: c.*1074C>G on transcript NM_000108.5 (MANE Select); 1074 bases downstream of the stop codon, C replaced by G.
Molecular consequence: 3 prime UTR variant.
Genome position (GRCh38, 1-based): chr7:107,920,333, C>G. VCF-style: chr7-107920333-C-G. GRCh37 (hg19) VCF-style: chr7-107560778-C-G.
Other names: c.*1074C>G (NM_001289750.1, NM_001289751.1, NM_001289752.1).
Identifiers: ClinVar variation 910455 (VCV000910455.4), dbSNP rs149275540, ClinGen allele CA164262462.